The following is an entry in ClinVar:

ClinVar aggregate classification (germline): Likely benign. Review status: criteria provided, multiple submitters, no conflicts (2 of 4 stars). 4 submissions from 4 submitters: Likely benign (3). 1 of the submissions does not count toward it. Last evaluated 2025-12-28.

Conditions:
Retinal dystrophy. Also called: Inherited retinal dystrophy. Identifiers: Orphanet 71862, MedGen C0854723, MeSH D058499, MONDO:0019118, HP:0000556.
IMPDH1-related disorder. Also called: IMPDH1-related condition; IMPDH1-related disorders.

Allele frequency attached by ClinVar (database versions not stated): gnomAD exomes 0.00006 and 0.00013; ExAC 0.00012; 1000 Genomes Project 30x 0.00016; 1000 Genomes Project 0.00020; gnomAD 0.00038 and 0.00043; TOPMed 0.00054; ESP Exome Variant Server 0.00077.
gnomAD v4.1: 160 of 1,613,848 alleles (0.0099%); highest among the groups gnomAD compares: African/African-American, 0.14%; 1 homozygote.

Submissions (4):

PreventionGenetics, part of Exact Sciences
Classification: Likely benign for IMPDH1-related condition. Last evaluated: 2025-12-28. Review status: criteria provided, single submitter. Criteria: ACMG Guidelines, 2015. Collection method: clinical testing. Allele origin: germline.
Comment: This variant is classified as likely benign based on ACMG/AMP sequence variant interpretation guidelines (Richards et al. 2015 PMID: 25741868, with internal and published modifications).

Labcorp Genetics (formerly Invitae), Labcorp
Classification: Likely benign. Last evaluated: 2025-12-03. Review status: criteria provided, single submitter. Criteria: Invitae Variant Classification Sherloc (09022015). Collection method: clinical testing. Allele origin: germline.

Blueprint Genetics
Classification: Likely benign. Last evaluated: 2024-03-11. Review status: criteria provided, single submitter. Criteria: ACMG Guidelines, 2015. Collection method: clinical testing. Allele origin: germline.

Institute of Human Genetics, Univ. Regensburg, Univ. Regensburg
Classification: Uncertain significance for Retinal dystrophy. Last evaluated: 2016-01-01. Review status: no assertion criteria provided. Criteria: ACMG Guidelines, 2015. Collection method: clinical testing. Allele origin: germline. Affected: yes. Not counted in ClinVar's aggregate classification.

NM_000883.4(IMPDH1):c.833C>T (p.Thr278Met)

Gene: IMPDH1 (inosine monophosphate dehydrogenase 1; minus strand). Cytogenetic location: 7q32.1.
Variant type: single nucleotide variant.
Coding change: c.833C>T on transcript NM_000883.4 (MANE Select); coding-DNA position 833, C replaced by T.
Protein change: p.Thr278Met; replaces threonine 278 with methionine.
Molecular consequence: missense variant.
Genome position (GRCh38, 1-based): chr7:128,400,136, G>A on the plus strand (C>T on the coding strand, the complement: IMPDH1 is on the minus strand). VCF-style: chr7-128400136-G-A. GRCh37 (hg19) VCF-style: chr7-128040190-G-A.
Other names: c.803C>T, p.Thr268Met (NM_001102605.2); c.578C>T, p.Thr193Met (NM_001142573.2); c.563C>T, p.Thr188Met (NM_001142574.2); c.503C>T, p.Thr168Met (NM_001142575.2); c.734C>T, p.Thr245Met (NM_001142576.2); c.626C>T, p.Thr209Met (NM_001304521.2); c.725C>T, p.Thr242Met (NM_183243.3); short protein forms T188M, T193M, T268M, T168M, T242M, T245M, T209M, T278M.
Identifiers: ClinVar variation 767583 (VCV000767583.14), dbSNP rs149093302, ClinGen allele CA4471022.